The following is an entry in ClinVar:

NM_003000.3(SDHB):c.704A>G (p.Gln235Arg)

Gene: SDHB (succinate dehydrogenase complex iron sulfur subunit B; minus strand). Cytogenetic location: 1p36.13.
Variant type: single nucleotide variant.
Coding change: c.704A>G on transcript NM_003000.3 (MANE Select); coding-DNA position 704, A replaced by G.
Protein change: p.Gln235Arg; replaces glutamine 235 with arginine.
Molecular consequence: missense variant.
Genome position (GRCh38, 1-based): chr1:17,022,669, T>C on the plus strand (A>G on the coding strand, the complement: SDHB is on the minus strand). VCF-style: chr1-17022669-T-C. GRCh37 (hg19) VCF-style: chr1-17349164-T-C.
Other names: short protein forms Q235R.
Identifiers: ClinVar variation 652522 (VCV000652522.6), dbSNP rs1570944853, ClinGen allele CA338270287.
Genomic context (GRCh38, chr1:17,022,669, plus strand): 5'-TTAGGACAGGTCCTTGTGCAGTTCATGATGGTGTGGCAGCGGTATAGAGAGAATGGGTCC[T>C]GCAGCTTGGCCAGGCGCTCCTCTGTGAAGTCATCTCTGGAGTCAATCATCCAGCGATAGG-3'
Protein context (NP_002991.2, residues 225-245): DFTEERLAKL[Gln235Arg]DPFSLYRCHT

ClinVar aggregate classification (germline): Uncertain significance (1 of 4 stars; one submission).

Conditions:
Pheochromocytoma/paraganglioma syndrome 4. Also called: SDHB-Related Hereditary Paraganglioma-Pheochromocytoma Syndrome (Paragangliomas 4); SDHB-Related Hereditary Paraganglioma-Pheochromocytoma Syndrome; CAROTID BODY TUMORS AND MULTIPLE EXTRAADRENAL PHEOCHROMOCYTOMAS; PARAGANGLIOMA, FAMILIAL MALIGNANT; PARAGANGLIOMAS, HEREDITARY EXTRAADRENAL; PHEOCHROMOCYTOMA, FAMILIAL EXTRAADRENAL. Identifiers: Orphanet 29072, MedGen C1861848, MONDO:0007273, OMIM 115310.
Pheochromocytoma. Also called: MAX-Related Hereditary Paraganglioma-Pheochromocytoma Syndrome. Identifiers: Orphanet 29072, MedGen C0031511, MONDO:0008233, OMIM 171300, HP:0002666.
Gastrointestinal stromal tumor. Also called: Gastrointestinal stromal tumor, somatic; Gastrointestinal stroma tumor. Identifiers: Orphanet 44890, MedGen C0238198, MeSH D046152, MONDO:0011719, OMIM 606764, HP:0100723.

Submission:

Labcorp Genetics (formerly Invitae), Labcorp
Classification: Uncertain significance for Gastrointestinal stromal tumor; Pheochromocytoma/paraganglioma syndrome 4; Pheochromocytoma. Last evaluated: 2018-12-07. Review status: criteria provided, single submitter. Criteria: Invitae Variant Classification Sherloc (09022015). Collection method: clinical testing. Allele origin: germline.
Comment: In summary, the available evidence is currently insufficient to determine the role of this variant in disease. Therefore, it has been classified as a Variant of Uncertain Significance. Algorithms developed to predict the effect of missense changes on protein structure and function (SIFT, PolyPhen-2, Align-GVGD) all suggest that this variant is likely to be tolerated, but these predictions have not been confirmed by published functional studies and their clinical significance is uncertain. This variant has not been reported in the literature in individuals with SDHB-related conditions. This variant is not present in population databases (ExAC no frequency). This sequence change replaces glutamine with arginine at codon 235 of the SDHB protein (p.Gln235Arg). The glutamine residue is moderately conserved and there is a small physicochemical difference between glutamine and arginine.